The following is an entry in ClinVar:

ClinVar aggregate classification (germline): Pathogenic (1 of 4 stars; one submission).

Conditions:
Hereditary cancer-predisposing syndrome. Also called: Tumor predisposition; Neoplastic Syndromes, Hereditary; Hereditary Cancer Syndrome; Hereditary neoplastic syndrome. Identifiers: Orphanet 140162, MedGen C0027672, MeSH D009386, MONDO:0015356.

Submission:

Ambry Genetics
Classification: Pathogenic for Hereditary cancer-predisposing syndrome. Last evaluated: 2022-08-31. Review status: criteria provided, single submitter. Criteria: Ambry Variant Classification Scheme 2023. Collection method: clinical testing. Allele origin: germline.
Comment: The c.3198_3229dup32 variant, located in coding exon 5 of the MSH6 gene, results from a duplication of TAGTCGAGGGGGTGATGGTCCTATGTGTCGCC at nucleotide position 3198, causing a translational frameshift with a predicted alternate stop codon (p.P1077Lfs*13). This alteration is expected to result in loss of function by premature protein truncation or nonsense-mediated mRNA decay. As such, this alteration is interpreted as a disease-causing mutation.

NM_000179.3(MSH6):c.3198_3229dup (p.Pro1077fs)

Gene: MSH6 (mutS homolog 6; plus strand). Cytogenetic location: 2p16.3.
Variant type: Duplication.
Coding change: c.3198_3229dup on transcript NM_000179.3 (MANE Select); coding-DNA positions 3198 to 3229, 32 bases duplicated.
Protein change: p.Pro1077fs; shifts the reading frame from proline 1077.
Molecular consequence: frameshift variant.
Genome position (GRCh38, 1-based): chr2:47,803,445-47,803,476, 32 bases duplicated. GRCh37 (hg19): chr2:48,030,584-48,030,615.
Other names: c.3198_3229dupTAGTCGAGGGGGTGATGGTCCTATGTGTCGCC (NM_000179.2); c.2808_2839dup, p.Pro947fs (NM_001281492.2); c.2292_2323dup, p.Pro775fs (NM_001281493.2, NM_001281494.2); c.3294_3325dup, p.Pro1109Leufs (NM_001406795.1, NM_001406802.1); c.3198_3229dup, p.Pro1077Leufs (NM_001406796.1, NM_001406800.1, NM_001406808.1 and 1 more transcripts); c.2901_2932dup, p.Pro978Leufs (NM_001406797.1, NM_001406801.1, NM_001406805.1 and 10 more transcripts); c.2673_2704dup, p.Pro902Leufs (NM_001406799.1, NM_001406806.1, NM_001406807.1); c.2334_2365dup, p.Pro789Leufs (NM_001406803.1); and 8 more; short protein forms P1077fs, P775fs, P947fs.
Identifiers: ClinVar variation 1728730 (VCV001728730.2), dbSNP rs2530759189, ClinGen allele CA2580066950.